The following is an entry in ClinVar:

NM_022041.4(GAN):c.413G>T (p.Arg138Leu)

Gene: GAN (gigaxonin; plus strand). Cytogenetic location: 16q23.2.
Variant type: single nucleotide variant.
Coding change: c.413G>T on transcript NM_022041.4 (MANE Select); coding-DNA position 413, G replaced by T.
Protein change: p.Arg138Leu; replaces arginine 138 with leucine.
Molecular consequence: missense variant. On other transcripts: 5 prime UTR variant (1).
Genome position (GRCh38, 1-based): chr16:81,354,535, G>T. VCF-style: chr16-81354535-G-T. GRCh37 (hg19) VCF-style: chr16-81388140-G-T.
Other names: c.-227G>T (NM_001377486.1); short protein forms R138L.
Identifiers: ClinVar variation 245992 (VCV000245992.2), dbSNP rs119485092, ClinGen allele CA10584537.

ClinVar aggregate classification (germline): Likely pathogenic (1 of 4 stars; one submission).

gnomAD v4.1: 2 of 1,613,984 alleles (0.00012%); highest among the groups gnomAD compares: African/African-American, 0.0013%; no homozygotes.

Submission:

GeneDx
Classification: Likely pathogenic. Last evaluated: 2015-11-25. Review status: criteria provided, single submitter. Criteria: GeneDx Variant Classification (06012015). Collection method: clinical testing. Allele origin: germline. Affected: yes.
Comment: A novel R138L variant that is likely pathogenic has also been identified in the GAN gene. The R138L variant has not been published as a pathogenic variant, nor has it been reported as a benign variant to our knowledge. A different amino acid substitution at the same position (R138H) has been previously reported as a homozygous variant in a family with mild CMT (Bomont et al., 2000; Bomont et al., 2003). The R138L variant was not observed in approximately 6,500 individuals of European and African American ancestry in the NHLBI Exome Sequencing Project, indicating it is not a common benign variant in these populations. The R138L variant is a non-conservative amino acid substitution, which is likely to impact secondary protein structure as these residues differ in polarity, charge, size and/or other properties. This substitution occurs at a position that is conserved across species. In silico analysis predicts this variant is probably damaging to the protein structure/function. Therefore, this variant is likely pathogenic; however, the possibility that it is benign cannot be excluded.